The following is an entry in ClinVar:

ClinVar aggregate classification (germline): Pathogenic (1 of 4 stars; one submission).

Submission:

Labcorp Genetics (formerly Invitae), Labcorp
Classification: Pathogenic. Last evaluated: 2021-03-01. Review status: criteria provided, single submitter. Criteria: Invitae Variant Classification Sherloc (09022015). Collection method: clinical testing. Allele origin: germline.
Comment: This sequence change creates a premature translational stop signal (p.Lys97Argfs*8) in the TTPA gene. It is expected to result in an absent or disrupted protein product. Loss-of-function variants in TTPA are known to be pathogenic (PMID: 9463307, 26068213). For these reasons, this variant has been classified as Pathogenic. This variant has not been reported in the literature in individuals with TTPA-related conditions. This variant is not present in population databases (ExAC no frequency).

Literature cited by the submitters: PubMed 9463307; PubMed 26068213.

NM_000370.3(TTPA):c.290del (p.Lys97fs)

Gene: TTPA (alpha tocopherol transfer protein; minus strand). Cytogenetic location: 8q12.3.
Variant type: Deletion.
Coding change: c.290del on transcript NM_000370.3 (MANE Select); coding-DNA position 290, one base deleted (A; older notation c.290delA).
Protein change: p.Lys97fs; shifts the reading frame from lysine 97.
Molecular consequence: frameshift variant.
Genome position (GRCh38, 1-based): chr8:63,073,003, T deleted on the plus strand (A on the coding strand, the reverse complement: TTPA is on the minus strand); the first of 3 consecutive T bases (chr8:63,073,003-63,073,005); deleting any one gives the same sequence. VCF-style (leftmost placement, unchanged base first): chr8-63073002-CT-C. GRCh37 (hg19) VCF-style: chr8-63985561-CT-C.
Other names: short protein forms K97fs.
Identifiers: ClinVar variation 1451654 (VCV001451654.6), dbSNP rs2129762747, ClinGen allele CA2573143305.